The following is an entry in ClinVar:

ClinVar aggregate classification (germline): Uncertain significance (1 of 4 stars; one submission).

Submission:

Labcorp Genetics (formerly Invitae), Labcorp
Classification: Uncertain significance. Last evaluated: 2024-02-17. Review status: criteria provided, single submitter. Criteria: Invitae Variant Classification Sherloc (09022015). Collection method: clinical testing. Allele origin: germline.
Comment: This sequence change replaces proline, which is neutral and non-polar, with leucine, which is neutral and non-polar, at codon 886 of the POLE protein (p.Pro886Leu). This variant is not present in population databases (gnomAD no frequency). This variant has not been reported in the literature in individuals affected with POLE-related conditions. ClinVar contains an entry for this variant (Variation ID: 1521311). An algorithm developed to predict the effect of missense changes on protein structure and function (PolyPhen-2) suggests that this variant is likely to be tolerated. In summary, the available evidence is currently insufficient to determine the role of this variant in disease. Therefore, it has been classified as a Variant of Uncertain Significance.

NM_006231.4(POLE):c.2657C>T (p.Pro886Leu)

Gene: POLE (DNA polymerase epsilon, catalytic subunit; minus strand). Cytogenetic location: 12q24.33.
Variant type: single nucleotide variant.
Coding change: c.2657C>T on transcript NM_006231.4 (MANE Select); coding-DNA position 2657, C replaced by T.
Protein change: p.Pro886Leu; replaces proline 886 with leucine.
Molecular consequence: missense variant.
Genome position (GRCh38, 1-based): chr12:132,664,053, G>A on the plus strand (C>T on the coding strand, the complement: POLE is on the minus strand). VCF-style: chr12-132664053-G-A. GRCh37 (hg19) VCF-style: chr12-133240639-G-A.
Other names: short protein forms P886L.
Identifiers: ClinVar variation 1521311 (VCV001521311.8), dbSNP rs2135956702, ClinGen allele CA387395354.